The following is an entry in ClinVar:

ClinVar aggregate classification (germline): Uncertain significance (1 of 4 stars; one submission).

Conditions:
Nemaline myopathy 2 (NEM2). Also called: Nemaline myopathy 2, autosomal recessive. Identifiers: MedGen C1850569, MONDO:0009725, OMIM 256030.

Submission:

Labcorp Genetics (formerly Invitae), Labcorp
Classification: Uncertain significance for Nemaline myopathy 2. Last evaluated: 2021-09-02. Review status: criteria provided, single submitter. Criteria: Invitae Variant Classification Sherloc (09022015). Collection method: clinical testing. Allele origin: germline.
Comment: This variant occurs in a region of NEB (Exons 82-105) consisting of three highly homologous 8-exon repeat units (exons 82-89, exons 90-97, exons 98-105). Sequence variants in this region can be detected, but this assay cannot determine which of the three repeat units is affected, and zygosity is often ambiguous. All variants in this region are reported relative to the exon 82-89 repeat. This sequence change falls in intron 86 of the NEB gene. It does not directly change the encoded amino acid sequence of the NEB protein. It affects a nucleotide within the consensus splice site of the intron. The frequency data for this variant in the population databases (ExAC) is considered unreliable due to the presence of homologous sequence, such as pseudogenes or paralogs, in the genome. This variant has not been reported in the literature in individuals affected with NEB-related conditions. Variants that disrupt the consensus splice site are a relatively common cause of aberrant splicing (PMID: 17576681, 9536098). In summary, the available evidence is currently insufficient to determine the role of this variant in disease. Therefore, it has been classified as a Variant of Uncertain Significance.

Literature cited by the submitters: PubMed 17576681; PubMed 9536098.

NM_001164508.2(NEB):c.13263+4A>G

Gene: NEB (nebulin; minus strand). Cytogenetic location: 2q23.3.
Variant type: single nucleotide variant.
Coding change: c.13263+4A>G on transcript NM_001164508.2 (MANE Select); 4 bases into the intron after coding-DNA position 13263, A replaced by G.
Molecular consequence: intron variant.
Genome position (GRCh38, 1-based): chr2:151,603,565, T>C on the plus strand (A>G on the coding strand, the complement: NEB is on the minus strand). VCF-style: chr2-151603565-T-C. GRCh37 (hg19) VCF-style: chr2-152460079-T-C.
Other names: c.11601+6244A>G (NM_004543.5); c.13263+4A>G (NM_001164507.2, NM_001271208.2).
Identifiers: ClinVar variation 1397565 (VCV001397565.5), dbSNP rs2097566924, ClinGen allele CA1298188771.